The following is an entry in ClinVar:

ClinVar aggregate classification (germline): Uncertain significance (1 of 4 stars; one submission).

Submission:

GeneDx
Classification: Uncertain significance. Last evaluated: 2025-04-24. Review status: criteria provided, single submitter. Criteria: GeneDx Variant Classification Process June 2021. Collection method: clinical testing. Allele origin: germline. Affected: yes.
Comment: In-frame duplication of 1 amino acid in a non-repeat region; Has not been previously published as pathogenic or benign to our knowledge

NM_006267.5(RANBP2):c.1234_1236dup (p.Arg412_Glu413insArg)

Gene: RANBP2 (RAN binding protein 2; plus strand). Cytogenetic location: 2q13.
Variant type: Duplication.
Coding change: c.1234_1236dup on transcript NM_006267.5 (MANE Select); coding-DNA positions 1234 to 1236, 3 bases duplicated (CGA; older notation c.1234_1236dupCGA).
Protein change: p.Arg412_Glu413insArg.
Genome position (GRCh38, 1-based): chr2:108,749,090-108,749,092, CGA duplicated; duplicating any 3 consecutive bases within chr2:108,749,089-108,749,092 gives the same sequence; the c. name uses the placement nearest the transcript's 3' end. VCF-style (leftmost placement, unchanged base first): chr2-108749088-T-TACG. GRCh37 (hg19) VCF-style: chr2-109365544-T-TACG.
Other names: c.1234_1236dup, p.Arg412_Glu413insArg (NM_001415871.1, NM_001415873.1); c.1231_1233dup, p.Arg411_Glu412insArg (NM_001415872.1).
Identifiers: ClinVar variation 4527455 (VCV004527455.1).
Genomic context (GRCh38, chr2:108,749,088, plus strand): 5'-CTAGTCAGTCACCTAAGGATACATCTTTTCTTGGTAGCGATGATATTGGAAACATTGATG[T>TACG]ACGAGAACCAGAGCTTGAAGATTTGACTAGATACGATGTTGGTAAGTTATATGTTTCAGA-3'